The following is an entry in ClinVar:

NM_198334.3(GANAB):c.411T>C (p.Ser137=)

Gene: GANAB (glucosidase II alpha subunit; minus strand). Cytogenetic location: 11q12.3.
Variant type: single nucleotide variant.
Coding change: c.411T>C on transcript NM_198334.3 (MANE Select); coding-DNA position 411, T replaced by C.
Protein change: p.Ser137=; no amino-acid change (serine 137 retained).
Molecular consequence: synonymous variant. On other transcripts: 5 prime UTR variant (2).
Genome position (GRCh38, 1-based): chr11:62,634,970, A>G on the plus strand (T>C on the coding strand, the complement: GANAB is on the minus strand). VCF-style: chr11-62634970-A-G. GRCh37 (hg19) VCF-style: chr11-62402442-A-G.
Other names: c.411T>C (NM_198335.3); c.69T>C, p.Ser23= (NM_001278192.2, NM_001278193.2); c.120T>C, p.Ser40= (NM_001278194.2, NM_001329222.2, NM_001329223.2); c.-366T>C (NM_001329224.2, NM_001329225.2); c.411T>C, p.Ser137= (NM_198335.4).
Identifiers: ClinVar variation 2720432 (VCV002720432.4), dbSNP rs139065132, ClinGen allele CA6051102.

ClinVar aggregate classification (germline): Likely benign. Review status: criteria provided, multiple submitters, no conflicts (2 of 4 stars). 2 submissions from 2 submitters: Likely benign (2). Last evaluated 2025-06-12.

Conditions:
GANAB-related disorder. Also called: GANAB-related condition.

Allele frequency attached by ClinVar (database versions not stated): gnomAD exomes 0.00001; ExAC 0.00005; gnomAD 0.00013; TOPMed 0.00017; ESP Exome Variant Server 0.00023; 1000 Genomes Project 30x 0.00047; 1000 Genomes Project 0.00060.
gnomAD v4.1: 37 of 1,613,690 alleles (0.0023%); highest among the groups gnomAD compares: African/African-American, 0.041%; no homozygotes.

Submissions (2):

Labcorp Genetics (formerly Invitae), Labcorp
Classification: Likely benign. Last evaluated: 2025-06-12. Review status: criteria provided, single submitter. Criteria: Invitae Variant Classification Sherloc (09022015). Collection method: clinical testing. Allele origin: germline.

PreventionGenetics, part of Exact Sciences
Classification: Likely benign for GANAB-related condition. Last evaluated: 2024-12-18. Review status: criteria provided, single submitter. Criteria: ACMG Guidelines, 2015. Collection method: clinical testing. Allele origin: germline.
Comment: This variant is classified as likely benign based on ACMG/AMP sequence variant interpretation guidelines (Richards et al. 2015 PMID: 25741868, with internal and published modifications).